The following is an entry in ClinVar:

NM_001035.3(RYR2):c.1108C>T (p.Leu370=)

Gene: RYR2 (ryanodine receptor 2; plus strand). Cytogenetic location: 1q43.
Variant type: single nucleotide variant.
Coding change: c.1108C>T on transcript NM_001035.3 (MANE Select); coding-DNA position 1108, C replaced by T.
Protein change: p.Leu370=; no amino-acid change (leucine 370 retained).
Molecular consequence: synonymous variant.
Genome position (GRCh38, 1-based): chr1:237,441,421, C>T. VCF-style: chr1-237441421-C-T. GRCh37 (hg19) VCF-style: chr1-237604721-C-T.
Other names: c.1108C>T, p.Leu370= (LRG_402t1).
Identifiers: ClinVar variation 511958 (VCV000511958.22), dbSNP rs534621173, ClinGen allele CA084697.
Genomic context (GRCh38, chr1:237,441,421, plus strand): 5'-GGAACATCTGAAATAAAATACGGTGACTCAGTATGCTATATACAACATGTAGACACAGGC[C>T]TATGGCTTACTTACCAGTCTGTGGACGTGAAATCCGTGAGAATGGGATCTATACAACGTA-3'
Protein context (NP_001026.2, residues 360-380): VCYIQHVDTG[Leu370=]WLTYQSVDVK

ClinVar aggregate classification (germline): Benign/Likely benign. Review status: criteria provided, multiple submitters, no conflicts (2 of 4 stars). 8 submissions from 8 submitters: Benign (3); Likely benign (3). 2 of the submissions do not count toward it. Last evaluated 2025-12-13.

Conditions:
Cardiovascular phenotype. Identifiers: MedGen CN230736.
Cardiomyopathy (CMYO). Also called: Cardiomyopathies. Identifiers: Orphanet 167848, MedGen C0878544, MONDO:0004994, HP:0001638. Inheritance: Various modes of inheritance.
Catecholaminergic polymorphic ventricular tachycardia (CVPT). Also called: Catecholamine-induced polymorphic ventricular tachycardia. Identifiers: Orphanet 3286, MedGen C5574922, MONDO:0017990.
Catecholaminergic polymorphic ventricular tachycardia 1. Also called: VENTRICULAR TACHYCARDIA, CATECHOLAMINERGIC POLYMORPHIC, 1, WITH OR WITHOUT ATRIAL DYSFUNCTION AND/OR DILATED CARDIOMYOPATHY; VENTRICULAR TACHYCARDIA, STRESS-INDUCED POLYMORPHIC 1; RYR2-Related Catecholaminergic Polymorphic Ventricular Tachycardia. Identifiers: Orphanet 3286, MedGen C1631597, MONDO:0011484, OMIM 604772.

Allele frequency attached by ClinVar (database versions not stated): gnomAD below 0.00001 and 0.00006; TOPMed 0.00002; 1000 Genomes Project 30x 0.00016; 1000 Genomes Project 0.00020; gnomAD exomes 0.00022; ExAC 0.00023.
gnomAD v4.1: 135 of 1,611,000 alleles (0.0084%); highest among the groups gnomAD compares: South Asian, 0.14%; 1 homozygote.

Submissions (8):

Labcorp Genetics (formerly Invitae), Labcorp
Classification: Benign for Catecholaminergic polymorphic ventricular tachycardia 1. Last evaluated: 2025-12-13. Review status: criteria provided, single submitter. Criteria: Invitae Variant Classification Sherloc (09022015). Collection method: clinical testing. Allele origin: germline.

All of Us Research Program, National Institutes of Health
Classification: Benign for Catecholaminergic polymorphic ventricular tachycardia. Last evaluated: 2023-12-18. Review status: criteria provided, single submitter. Criteria: ACMG Guidelines, 2015. Collection method: clinical testing. Allele origin: germline. Inheritance: Autosomal dominant inheritance. Observed: 6 variant alleles, 5 heterozygotes, 1 homozygote.
Comment: This study involves interpretation of variants in research participants for the purpose of population health screening. Participant phenotype was not available at the time of variant classification. Additional details can be found in publication PMID: 35346344, PMCID: PMC8962531

Blueprint Genetics
Classification: Likely benign. Last evaluated: 2022-08-11. Review status: criteria provided, single submitter. Criteria: ACMG Guidelines, 2015. Collection method: clinical testing. Allele origin: germline.

Ambry Genetics
Classification: Likely benign for Cardiovascular phenotype. Last evaluated: 2020-08-11. Review status: criteria provided, single submitter. Criteria: Ambry Variant Classification Scheme 2023. Collection method: clinical testing. Allele origin: germline.

GeneDx
Classification: Likely benign. Last evaluated: 2020-01-29. Review status: criteria provided, single submitter. Criteria: GeneDx Variant Classification Process June 2021. Collection method: clinical testing. Allele origin: germline. Affected: yes.

Color Diagnostics, LLC DBA Color Health
Classification: Benign for Cardiomyopathy. Last evaluated: 2018-10-16. Review status: criteria provided, single submitter. Criteria: ACMG Guidelines, 2015. Collection method: clinical testing. Allele origin: germline.

Clinical Genetics DNA and cytogenetics Diagnostics Lab, Erasmus MC, Erasmus Medical Center
Classification: Likely benign. Review status: no assertion criteria provided. Collection method: clinical testing. Allele origin: germline. Affected: yes. Study: VKGL Data-share Consensus. Not counted in ClinVar's aggregate classification.

Joint Genome Diagnostic Labs from Nijmegen and Maastricht, Radboudumc and MUMC+
Classification: Likely benign. Review status: no assertion criteria provided. Collection method: clinical testing. Allele origin: germline. Affected: yes. Study: VKGL Data-share Consensus. Not counted in ClinVar's aggregate classification.